The following is an entry in ClinVar:

ClinVar aggregate classification (germline): Pathogenic (1 of 4 stars; one submission).

Conditions:
Hereditary cancer-predisposing syndrome. Also called: Tumor predisposition; Hereditary neoplastic syndrome; Neoplastic Syndromes, Hereditary; Hereditary Cancer Syndrome. Identifiers: Orphanet 140162, MedGen C0027672, MeSH D009386, MONDO:0015356.

Submission:

Ambry Genetics
Classification: Pathogenic for Hereditary cancer-predisposing syndrome. Last evaluated: 2025-06-12. Review status: criteria provided, single submitter. Criteria: Ambry Variant Classification Scheme 2023. Collection method: clinical testing. Allele origin: germline.
Comment: The c.1163_1164dupTA pathogenic mutation, located in coding exon 9 of the BRCA2 gene, results from a duplication of TA at nucleotide position 1163, causing a translational frameshift with a predicted alternate stop codon (p.P389Yfs*11). This variant is considered to be rare based on population cohorts in the Genome Aggregation Database (gnomAD). This alteration is expected to result in loss of function by premature protein truncation or nonsense-mediated mRNA decay. As such, this alteration is interpreted as a disease-causing mutation.

NM_000059.4(BRCA2):c.1163_1164dup (p.Pro389fs)

Gene: BRCA2 (BRCA2 DNA repair associated; plus strand). Cytogenetic location: 13q13.1.
Variant type: Duplication.
Coding change: c.1163_1164dup on transcript NM_000059.4 (MANE Select); coding-DNA positions 1163 to 1164, 2 bases duplicated (TA; older notation c.1163_1164dupTA).
Protein change: p.Pro389fs; shifts the reading frame from proline 389.
Molecular consequence: frameshift variant. On other transcripts: non-coding transcript variant (1), intron variant (1).
Genome position (GRCh38, 1-based): chr13:32,332,641-32,332,642, TA duplicated. VCF-style (leftmost placement, unchanged base first): chr13-32332640-G-GTA. GRCh37 (hg19) VCF-style: chr13-32906777-G-GTA.
Other names: c.1163_1164dupTA (NM_000059.3); c.1163_1164dup, p.Pro389fs (NM_001406719.1, NM_001406720.1, NM_001406721.1 and 1 more transcripts); c.424+1611_424+1612dup (NM_001406722.1); short protein forms P389fs.
Identifiers: ClinVar variation 3992874 (VCV003992874.1).